The following is an entry in ClinVar:

ClinVar aggregate classification (germline): Pathogenic. Review status: criteria provided, multiple submitters, no conflicts (2 of 4 stars). 2 submissions from 2 submitters: Pathogenic (2). Last evaluated 2025-06-20.

Conditions:
Arterial tortuosity syndrome (ATORS). Identifiers: Orphanet 3342, MedGen C1859726, MONDO:0008818, OMIM 208050.

Submissions (2):

GeneDx
Classification: Pathogenic. Last evaluated: 2025-06-20. Review status: criteria provided, single submitter. Criteria: GeneDx Variant Classification Process June 2021. Collection method: clinical testing. Allele origin: germline. Affected: yes.
Comment: Frameshift variant predicted to result in protein truncation or nonsense mediated decay in a gene for which loss of function is a known mechanism of disease; Not observed at significant frequency in large population cohorts (gnomAD); Has not been previously published as pathogenic or benign to our knowledge

Labcorp Genetics (formerly Invitae), Labcorp
Classification: Pathogenic for Arterial tortuosity syndrome. Last evaluated: 2022-12-02. Review status: criteria provided, single submitter. Criteria: Invitae Variant Classification Sherloc (09022015). Collection method: clinical testing. Allele origin: germline.
Comment: This sequence change creates a premature translational stop signal (p.Ala158Valfs*86) in the SLC2A10 gene. It is expected to result in an absent or disrupted protein product. Loss-of-function variants in SLC2A10 are known to be pathogenic (PMID: 17935213, 22488877, 23494979). This variant is not present in population databases (gnomAD no frequency). This variant has not been reported in the literature in individuals affected with SLC2A10-related conditions. For these reasons, this variant has been classified as Pathogenic.

Literature cited by the submitters: PubMed 17935213 (cited by Labcorp Genetics (formerly Invitae), Labcorp); PubMed 22488877 (cited by Labcorp Genetics (formerly Invitae), Labcorp); PubMed 23494979 (cited by Labcorp Genetics (formerly Invitae), Labcorp).

NM_030777.4(SLC2A10):c.473_476del (p.Ala158fs)

Gene: SLC2A10 (solute carrier family 2 member 10; plus strand). Cytogenetic location: 20q13.12.
Variant type: Microsatellite.
Coding change: c.473_476del on transcript NM_030777.4 (MANE Select); coding-DNA positions 473 to 476, 4 bases deleted (CTGG; older notation c.473_476delCTGG).
Protein change: p.Ala158fs; shifts the reading frame from alanine 158.
Molecular consequence: frameshift variant.
Genome position (GRCh38, 1-based): chr20:46,725,509-46,725,512, CTGG deleted; deleting any 4 consecutive bases within chr20:46,725,505-46,725,512 gives the same sequence; the c. name uses the placement nearest the transcript's 3' end. VCF-style (leftmost placement, unchanged base first): chr20-46725504-ACTGG-A. GRCh37 (hg19) VCF-style: chr20-45354143-ACTGG-A.
Other names: c.473_476del (NM_030777.3); short protein forms A158fs.
Identifiers: ClinVar variation 1454308 (VCV001454308.8), dbSNP rs2123045055, ClinGen allele CA2580615418.